The following is an entry in ClinVar:

NM_001250.6(CD40):c.646+28G>A

Gene: CD40 (CD40 molecule; plus strand). Cytogenetic location: 20q13.12.
Variant type: single nucleotide variant.
Coding change: c.646+28G>A on transcript NM_001250.6 (MANE Select); 28 bases into the intron after coding-DNA position 646, G replaced by A.
Molecular consequence: intron variant.
Genome position (GRCh38, 1-based): chr20:46,128,252, G>A. VCF-style: chr20-46128252-G-A. GRCh37 (hg19) VCF-style: chr20-44756891-G-A.
Other names: c.686+28G>A (NM_001302753.2); c.658+16G>A (NM_001322421.2); c.646+28G>A (NM_001362758.2); c.584+28G>A (NM_152854.4); c.490+28G>A (NM_001322422.2).
Identifiers: ClinVar variation 1267312 (VCV001267312.5), dbSNP rs3765456, ClinGen allele CA9888543.

ClinVar aggregate classification (germline): Benign. Review status: criteria provided, multiple submitters, no conflicts (2 of 4 stars). 3 submissions from 3 submitters: Benign (3). Last evaluated 2024-01-24.

Allele frequency attached by ClinVar (database versions not stated): ESP Exome Variant Server 0.11395; gnomAD 0.11904 and 0.12343; gnomAD exomes 0.12302 and 0.14353; TOPMed 0.12401; ExAC 0.14094; 1000 Genomes Project 30x 0.17645; 1000 Genomes Project 0.18231.

Submissions (3):

Unidad de Genómica Garrahan, Hospital de Pediatría Garrahan
Classification: Benign. Last evaluated: 2024-01-24. Review status: criteria provided, single submitter. Criteria: ACMG Guidelines, 2015. Collection method: clinical testing. Allele origin: germline. Affected: no. Observed: 23 variant alleles.
Comment: This variant is classified as Benign based on local population frequency. This variant was detected in 24% of patients studied by a panel of primary immunodeficiencies. Number of patients: 23. Only high quality variants are reported.

GeneDx
Classification: Benign. Last evaluated: 2018-11-10. Review status: criteria provided, single submitter. Criteria: GeneDx Variant Classification Process June 2021. Collection method: clinical testing. Allele origin: germline. Affected: yes.

Breakthrough Genomics
Classification: Benign. Review status: criteria provided, single submitter. Criteria: ACMG Guidelines, 2015. Collection method: not provided. Allele origin: germline. Inheritance: Autosomal recessive inheritance. Affected: yes.